The following is an entry in ClinVar:

NM_173653.4(SLC9A9):c.918T>C (p.Cys306=)

Gene: SLC9A9 (solute carrier family 9 member A9; minus strand). Cytogenetic location: 3q24.
Variant type: single nucleotide variant.
Coding change: c.918T>C on transcript NM_173653.4 (MANE Select); coding-DNA position 918, T replaced by C.
Protein change: p.Cys306=; no amino-acid change (cysteine 306 retained).
Molecular consequence: synonymous variant.
Genome position (GRCh38, 1-based): chr3:143,574,170, A>G on the plus strand (T>C on the coding strand, the complement: SLC9A9 is on the minus strand). VCF-style: chr3-143574170-A-G. GRCh37 (hg19) VCF-style: chr3-143293012-A-G.
Identifiers: ClinVar variation 379454 (VCV000379454.2), dbSNP rs6763202, ClinGen allele CA2654028.

ClinVar aggregate classification (germline): Benign. Review status: criteria provided, multiple submitters, no conflicts (2 of 4 stars). 2 submissions from 2 submitters: Benign (2). Last evaluated 2015-07-08.

Allele frequency attached by ClinVar (database versions not stated): gnomAD exomes 0.26139 and 0.28318; ExAC 0.28824; ESP Exome Variant Server 0.29479; gnomAD 0.30253 and 0.30262; TOPMed 0.30496; 1000 Genomes Project 30x 0.33838; 1000 Genomes Project 0.34065.
gnomAD v4.1: 428,888 of 1,612,362 alleles (27%); highest among the groups gnomAD compares: African/African-American, 41%; 59,060 homozygotes.

Submissions (2):

GeneDx
Classification: Benign. Last evaluated: 2015-07-08. Review status: criteria provided, single submitter. Criteria: GeneDx Variant Classification (06012015). Collection method: clinical testing. Allele origin: germline. Affected: yes.
Comment: This variant is considered likely benign or benign based on one or more of the following criteria: it is a conservative change, it occurs at a poorly conserved position in the protein, it is predicted to be benign by multiple in silico algorithms, and/or has population frequency not consistent with disease.

Breakthrough Genomics
Classification: Benign. Review status: criteria provided, single submitter. Criteria: ACMG Guidelines, 2015. Collection method: not provided. Allele origin: germline. Inheritance: Unknown mechanism. Affected: yes.